The following is an entry in ClinVar:

ClinVar aggregate classification (germline): Uncertain significance (1 of 4 stars; one submission).

Allele frequency attached by ClinVar (database versions not stated): gnomAD exomes below 0.00001; ExAC 0.00001.
gnomAD v4.1: 2 of 1,609,826 alleles (0.00012%); highest among the groups gnomAD compares: Non-Finnish European, 0.00017%; no homozygotes.

Submission:

Labcorp Genetics (formerly Invitae), Labcorp
Classification: Uncertain significance. Last evaluated: 2022-03-19. Review status: criteria provided, single submitter. Criteria: Invitae Variant Classification Sherloc (09022015). Collection method: clinical testing. Allele origin: germline.
Comment: This sequence change replaces arginine, which is basic and polar, with lysine, which is basic and polar, at codon 597 of the NEDD4L protein (p.Arg597Lys). This variant is present in population databases (rs755715125, gnomAD 0.0009%). In summary, the available evidence is currently insufficient to determine the role of this variant in disease. Therefore, it has been classified as a Variant of Uncertain Significance. Algorithms developed to predict the effect of missense changes on protein structure and function (SIFT, PolyPhen-2, Align-GVGD) all suggest that this variant is likely to be tolerated. ClinVar contains an entry for this variant (Variation ID: 1014185). This variant has not been reported in the literature in individuals affected with NEDD4L-related conditions.

NM_001144967.3(NEDD4L):c.1850G>A (p.Arg617Lys)

Gene: NEDD4L (NEDD4 like E3 ubiquitin protein ligase; plus strand). Cytogenetic location: 18q21.31.
Variant type: single nucleotide variant.
Coding change: c.1850G>A on transcript NM_001144967.3 (MANE Select); coding-DNA position 1850, G replaced by A.
Protein change: p.Arg617Lys; replaces arginine 617 with lysine.
Molecular consequence: missense variant.
Genome position (GRCh38, 1-based): chr18:58,366,015, G>A. VCF-style: chr18-58366015-G-A. GRCh37 (hg19) VCF-style: chr18-56033247-G-A.
Other names: c.1487G>A, p.Arg496Lys (NM_001144964.1, NM_001144965.2, NM_001144966.3); c.1826G>A, p.Arg609Lys (NM_001144968.2); c.1766G>A, p.Arg589Lys (NM_001144969.2); c.1427G>A, p.Arg476Lys (NM_001144970.3, NM_001144971.2); c.1658G>A, p.Arg553Lys (NM_001243960.2); c.1790G>A, p.Arg597Lys (NM_015277.6); short protein forms R476K, R496K, R553K, R589K, R597K, R609K, R617K.
Identifiers: ClinVar variation 1014185 (VCV001014185.8), dbSNP rs755715125, ClinGen allele CA8975842.